The following is an entry in ClinVar:

ClinVar aggregate classification (germline): Uncertain significance (1 of 4 stars; one submission).

Submission:

Labcorp Genetics (formerly Invitae), Labcorp
Classification: Uncertain significance. Last evaluated: 2025-05-22. Review status: criteria provided, single submitter. Criteria: Invitae Variant Classification Sherloc (09022015). Collection method: clinical testing. Allele origin: germline.
Comment: This sequence change falls in intron 3 of the LAMB1 gene. It does not directly change the encoded amino acid sequence of the LAMB1 protein. It affects a nucleotide within the consensus splice site. This variant is present in population databases (no rsID available, gnomAD 0.02%). This variant has not been reported in the literature in individuals affected with LAMB1-related conditions. Variants that disrupt the consensus splice site are a relatively common cause of aberrant splicing (PMID: 17576681, 9536098). Algorithms developed to predict the effect of sequence changes on RNA splicing suggest that this variant is not likely to affect RNA splicing. In summary, the available evidence is currently insufficient to determine the role of this variant in disease. Therefore, it has been classified as a Variant of Uncertain Significance.

Literature cited by the submitters: PubMed 17576681; PubMed 9536098.

NM_002291.3(LAMB1):c.213+6G>A

Gene: LAMB1 (laminin subunit beta 1; minus strand). Cytogenetic location: 7q31.1.
Variant type: single nucleotide variant.
Coding change: c.213+6G>A on transcript NM_002291.3 (MANE Select); 6 bases into the intron after coding-DNA position 213, G replaced by A.
Molecular consequence: intron variant.
Genome position (GRCh38, 1-based): chr7:108,001,552, C>T on the plus strand (G>A on the coding strand, the complement: LAMB1 is on the minus strand). VCF-style: chr7-108001552-C-T. GRCh37 (hg19) VCF-style: chr7-107641997-C-T.
Identifiers: ClinVar variation 4753552 (VCV004753552.1).